The following is an entry in ClinVar:

NM_006363.6(SEC23B):c.4G>A (p.Ala2Thr)

Gene: SEC23B (SEC23 homolog B, COPII component; plus strand). Cytogenetic location: 20p11.23.
Variant type: single nucleotide variant.
Coding change: c.4G>A on transcript NM_006363.6 (MANE Select); coding-DNA position 4, G replaced by A.
Protein change: p.Ala2Thr; replaces alanine 2 with threonine.
Molecular consequence: missense variant.
Genome position (GRCh38, 1-based): chr20:18,510,839, G>A. VCF-style: chr20-18510839-G-A. GRCh37 (hg19) VCF-style: chr20-18491483-G-A.
Other names: p.Ala2Thr; c.4G>A, p.Ala2Thr (NM_001172745.3, NM_001172746.3, NM_032985.6 and 1 more transcripts); short protein forms A2T.
Identifiers: ClinVar variation 3380655 (VCV003380655.2).

ClinVar aggregate classification (germline): Uncertain significance. Review status: criteria provided, multiple submitters, no conflicts (2 of 4 stars). 2 submissions from 2 submitters: Uncertain significance (2). Last evaluated 2024-08-12.

gnomAD v4.1: 21 of 1,613,696 alleles (0.0013%); highest among the groups gnomAD compares: African/African-American, 0.027%; no homozygotes.

Submissions (2):

Revvity Omics, Revvity
Classification: Uncertain significance. Last evaluated: 2024-08-12. Review status: criteria provided, single submitter. Criteria: ACMG Guidelines, 2015. Collection method: clinical testing. Allele origin: germline.

Mayo Clinic Laboratories, Mayo Clinic
Classification: Uncertain significance. Last evaluated: 2024-06-26. Review status: criteria provided, single submitter. Criteria: ACMG Guidelines, 2015. Collection method: clinical testing. Allele origin: germline. Observed: 1 variant allele.
Comment: BP4_strong, PM2_moderate